The following is an entry in ClinVar:

NM_001243177.4(ALDOA):c.1221C>T (p.Ala407=)

Genes: ALDOA (aldolase, fructose-bisphosphate A; plus strand), LOC112694756 (uncharaterized LOC112694756; plus strand). Cytogenetic location: 16p11.2.
Variant type: single nucleotide variant.
Coding change: c.1221C>T on transcript NM_001243177.4 (MANE Select); coding-DNA position 1221, C replaced by T.
Protein change: p.Ala407=; no amino-acid change (alanine 407 retained).
Molecular consequence: synonymous variant. On other transcripts: 3 prime UTR variant (3).
Genome position (GRCh38, 1-based): chr16:30,070,176, C>T. VCF-style: chr16-30070176-C-T. GRCh37 (hg19) VCF-style: chr16-30081497-C-T.
Other names: p.Ala353=; c.*1568C>T (NM_001365304.2, NM_001365305.2, NM_001365307.2); c.1059C>T, p.Ala353= (NM_001127617.2, NM_184041.5, NM_184043.2).
Identifiers: ClinVar variation 4684091 (VCV004684091.1).

ClinVar aggregate classification (germline): Likely benign (1 of 4 stars; one submission).

gnomAD v4.1: 2 of 1,614,132 alleles (0.00012%); highest among the groups gnomAD compares: Non-Finnish European, 0.00017%; no homozygotes.

Submission:

Mayo Clinic Laboratories, Mayo Clinic
Classification: Likely benign. Last evaluated: 2025-10-26. Review status: criteria provided, single submitter. Criteria: ACMG Guidelines, 2015. Collection method: clinical testing. Allele origin: germline. Observed: 1 variant allele.
Comment: BP4, BP7, PM2_supporting